The following is an entry in ClinVar:

NC_012920.1(MT-ND6):m.14577T>G

Gene: MT-ND6 (mitochondrially encoded NADH dehydrogenase 6; minus strand).
Variant type: single nucleotide variant.
Genome position: chrM-14577-T-G.
Identifiers: ClinVar variation 693742 (VCV000693742.1), dbSNP rs386829219, ClinGen allele CA414823125.

ClinVar aggregate classification (germline): Likely benign (1 of 4 stars; one submission).

Conditions:
Leigh syndrome (NULS). Also called: Leigh's necrotizing encephalopathy; Leigh's disease; Leigh's syndrome; LEIGH SYNDROME, NUCLEAR; Leigh Syndrome (mtDNA deletion); Leigh Disease. Identifiers: Orphanet 506, MedGen C2931891, MONDO:0009723, OMIM 256000.

Submission:

Wong Mito Lab, Molecular and Human Genetics, Baylor College of Medicine
Classification: Likely benign for Leigh syndrome. Last evaluated: 2019-10-17. Review status: criteria provided, single submitter. Criteria: Modified ACMG Guidelines (Unpublished). Collection method: clinical testing. Allele origin: germline.
Comment: The NC_012920.1:m.14577T>G (YP_003024037.1:p.Ile33Leu) variant in MTND6 gene is interpretated to be a Likely Benign variant based on the modified ACMG guidelines (unpublished). This variant meets the following evidence codes: BS1, BP4